The following is an entry in ClinVar:

ClinVar aggregate classification (germline): Pathogenic (1 of 4 stars; one submission).

Conditions:
Telangiectasia, hereditary hemorrhagic, type 1 (HHT1). Also called: Osler Weber Rendu syndrome type 1; ENG-Related Hereditary Hemorrhagic Telangiectasia. Identifiers: Orphanet 774, MedGen C4551861, MONDO:0008535, OMIM 187300. Disease mechanism: loss of function.

Submission:

ARUP Laboratories, Molecular Genetics and Genomics, ARUP Laboratories
Classification: Pathogenic for Telangiectasia, hereditary hemorrhagic, type 1. Last evaluated: 2025-03-13. Review status: criteria provided, single submitter. Criteria: ARUP Molecular Germline Variant Investigation Process 2024. Collection method: clinical testing. Allele origin: germline.
Comment: The ENG c.765_773delinsGG; p.Pro256AlafsTer101 variant, to our knowledge, is not reported in the medical literature but is reported in ClinVar (Variation ID: 3381056). This variant is absent from the Genome Aggregation Database (v2.1.1), indicating it is not a common polymorphism. This variant causes a frameshift by deleting nine nucleotides and inserting two, so it is predicted to result in a truncated protein or mRNA subject to nonsense-mediated decay. Additionally, several downstream truncating variants have been described in individuals with HHT and are considered pathogenic (Olivieri 2007, Torring 2014). Based on available information, this variant is considered to be likely pathogenic. References: Olivieri C et al. Analysis of ENG and ACVRL1 genes in 137 HHT Italian families identifies 76 different mutations (24 novel). Comparison with other European studies. J Hum Genet. 2007;52(10):820-829. PMID: 17786384 Torring PM et al. National mutation study among Danish patients with hereditary haemorrhagic telangiectasia. Clin Genet. 2014 Aug;86(2):123-33. PMID: 24001356.

NM_001114753.3(ENG):c.763_764dup (p.Pro256fs)

Gene: ENG (endoglin; minus strand). Cytogenetic location: 9q34.11.
Variant type: Duplication.
Coding change: c.763_764dup on transcript NM_001114753.3 (MANE Select); coding-DNA positions 763 to 764, 2 bases duplicated (GG; older notation c.763_764dupGG).
Protein change: p.Pro256fs; shifts the reading frame from proline 256.
Molecular consequence: frameshift variant.
Genome position (GRCh38, 1-based): chr9:127,825,283-127,825,284, CC duplicated on the plus strand (GG on the coding strand, the reverse complement: ENG is on the minus strand); duplicating any 2 consecutive bases within chr9:127,825,283-127,825,285 gives the same sequence; the c. name uses the placement nearest the transcript's 3' end. VCF-style (leftmost placement, unchanged base first): chr9-127825282-A-ACC. GRCh37 (hg19) VCF-style: chr9-130587561-A-ACC.
Other names: c.763_764dup, p.Pro256fs (NM_000118.4, NM_001406715.1); c.217_218dup, p.Pro74fs (NM_001278138.2); short protein forms P256fs, P74fs.
Identifiers: ClinVar variation 4685680 (VCV004685680.1).
Genomic context (GRCh38, chr9:127,825,282, plus strand): 5'-ACAACTCACCCAGATCTGCATGTTGTGGTTGGCGTCGATGAGCCAGGACACGTAGGGGGG[A>ACC]CCCTGCAGGATGAGGACGGCATCGAGATCCCCGGGTGCGCAGCTCAGTTCCACCTTCACC-3'